The following is an entry in ClinVar:

ClinVar aggregate classification (germline): Uncertain significance (1 of 4 stars; one submission).

Submission:

Labcorp Genetics (formerly Invitae), Labcorp
Classification: Uncertain significance. Last evaluated: 2025-03-15. Review status: criteria provided, single submitter. Criteria: Invitae Variant Classification Sherloc (09022015). Collection method: clinical testing. Allele origin: germline.
Comment: This sequence change results in a frameshift in the TOP2B gene (p.Asn1621Lysfs*35). While this is not anticipated to result in nonsense mediated decay, it is expected to disrupt the last 1 amino acid(s) of the TOP2B protein and extend the protein by 33 additional amino acid residues. This variant is not present in population databases (gnomAD no frequency). This variant has not been reported in the literature in individuals affected with TOP2B-related conditions. Experimental studies and prediction algorithms are not available or were not evaluated, and the functional significance of this variant is currently unknown. In summary, the available evidence is currently insufficient to determine the role of this variant in disease. Therefore, it has been classified as a Variant of Uncertain Significance.

NM_001330700.2(TOP2B):c.4877dup (p.Asn1626fs)

Gene: TOP2B (DNA topoisomerase II beta; minus strand). Cytogenetic location: 3p24.2.
Variant type: Duplication.
Coding change: c.4877dup on transcript NM_001330700.2 (MANE Select); coding-DNA position 4877, one base duplicated (A; older notation c.4877dupA).
Protein change: p.Asn1626fs; shifts the reading frame from asparagine 1626.
Molecular consequence: frameshift variant.
Genome position (GRCh38, 1-based): chr3:25,598,311, T duplicated on the plus strand (A on the coding strand, the reverse complement: TOP2B is on the minus strand); the first of 2 consecutive T bases (chr3:25,598,311-25,598,312); duplicating either gives the same sequence. VCF-style (leftmost placement, unchanged base first): chr3-25598310-A-AT. GRCh37 (hg19) VCF-style: chr3-25639801-A-AT.
Other names: c.4862dup, p.Asn1621fs (NM_001068.3); short protein forms N1621fs, N1626fs.
Identifiers: ClinVar variation 4715137 (VCV004715137.1).
Genomic context (GRCh38, chr3:25,598,310, plus strand): 5'-GAAGACAAAAGGACAACACAAGATATTTGTTGAAAAATGTTTGTGCTCTTTGGGCACTTA[A>AT]TTAAACATTGCAAAATCAACATCATCTTCTTCTTCATCAGACTCTGCAAAATATTTTACT-3'